The following is an entry in ClinVar:

ClinVar aggregate classification (germline): Benign. Review status: criteria provided, single submitter (1 of 4 stars). 2 submissions from 2 submitters: Benign (1). 1 of the submissions does not count toward it. Last evaluated 2025-11-24.

Conditions:
PLVAP-related disorder. Also called: PLVAP-related condition.

Allele frequency attached by ClinVar (database versions not stated): ESP Exome Variant Server 0.00031; TOPMed 0.00042; gnomAD 0.00060; ExAC 0.00105; 1000 Genomes Project 0.00160; 1000 Genomes Project 30x 0.00187.
gnomAD v4.1: 883 of 1,612,470 alleles (0.055%); highest among the groups gnomAD compares: South Asian, 0.49%; 4 homozygotes.

Submissions (2):

Labcorp Genetics (formerly Invitae), Labcorp
Classification: Benign. Last evaluated: 2025-11-24. Review status: criteria provided, single submitter. Criteria: Invitae Variant Classification Sherloc (09022015). Collection method: clinical testing. Allele origin: germline.

PreventionGenetics, part of Exact Sciences
Classification: Likely benign for PLVAP-related condition. Last evaluated: 2019-02-26. Review status: no assertion criteria provided. Collection method: clinical testing. Allele origin: germline. Not counted in ClinVar's aggregate classification.
Comment: This variant is classified as likely benign based on ACMG/AMP sequence variant interpretation guidelines (Richards et al. 2015 PMID: 25741868, with internal and published modifications).

NM_031310.3(PLVAP):c.21C>T (p.His7=)

Gene: PLVAP (plasmalemma vesicle associated protein; minus strand). Cytogenetic location: 19p13.11.
Variant type: single nucleotide variant.
Coding change: c.21C>T on transcript NM_031310.3 (MANE Select); coding-DNA position 21, C replaced by T.
Protein change: p.His7=; no amino-acid change (histidine 7 retained).
Molecular consequence: synonymous variant.
Genome position (GRCh38, 1-based): chr19:17,377,268, G>A on the plus strand (C>T on the coding strand, the complement: PLVAP is on the minus strand). VCF-style: chr19-17377268-G-A. GRCh37 (hg19) VCF-style: chr19-17488077-G-A.
Other names: c.21C>T (NM_031310.2).
Identifiers: ClinVar variation 2062330 (VCV002062330.6), dbSNP rs148961335, ClinGen allele CA9294168.